The following is an entry in ClinVar:

NM_033109.5(PNPT1):c.412A>G (p.Ile138Val)

Gene: PNPT1 (polyribonucleotide nucleotidyltransferase 1; minus strand). Cytogenetic location: 2p16.1.
Variant type: single nucleotide variant.
Coding change: c.412A>G on transcript NM_033109.5 (MANE Select); coding-DNA position 412, A replaced by G.
Protein change: p.Ile138Val; replaces isoleucine 138 with valine.
Molecular consequence: missense variant.
Genome position (GRCh38, 1-based): chr2:55,683,826, T>C on the plus strand (A>G on the coding strand, the complement: PNPT1 is on the minus strand). VCF-style: chr2-55683826-T-C. GRCh37 (hg19) VCF-style: chr2-55910961-T-C.
Other names: short protein forms I138V.
Identifiers: ClinVar variation 732314 (VCV000732314.15), dbSNP rs76401964, ClinGen allele CA1668484.

ClinVar aggregate classification (germline): Conflicting classifications of pathogenicity. Review status: criteria provided, conflicting classifications (1 of 4 stars). 5 submissions from 5 submitters: Uncertain significance (1); Likely benign (4). Last evaluated 2026-01-21.

Conditions:
Combined oxidative phosphorylation defect type 13. Also called: Combined oxidative phosphorylation deficiency 13. Identifiers: Orphanet 319514, MedGen C4706283, MONDO:0013977, OMIM 614932.
Inborn genetic diseases. Identifiers: MedGen C0950123, MeSH D030342.

Allele frequency attached by ClinVar (database versions not stated): gnomAD exomes 0.00031 and 0.00018; ExAC 0.00037; ESP Exome Variant Server 0.00100; TOPMed 0.00104; gnomAD 0.00107 and 0.00111; 1000 Genomes Project 30x 0.00234; 1000 Genomes Project 0.00260.
gnomAD v4.1: 435 of 1,613,826 alleles (0.027%); highest among the groups gnomAD compares: African/African-American, 0.31%; 2 homozygotes.

Submissions (6):

Labcorp Genetics (formerly Invitae), Labcorp
Classification: Likely benign. Last evaluated: 2026-01-21. Review status: criteria provided, single submitter. Criteria: Invitae Variant Classification Sherloc (09022015). Collection method: clinical testing. Allele origin: germline.

Ambry Genetics
Classification: Likely benign for Inborn genetic diseases. Last evaluated: 2025-10-08. Review status: criteria provided, single submitter. Criteria: Ambry Variant Classification Scheme 2023. Collection method: clinical testing. Allele origin: germline.

Blueprint Genetics
Classification: Likely benign. Last evaluated: 2024-11-05. Review status: criteria provided, single submitter. Criteria: ACMG Guidelines, 2015. Collection method: clinical testing. Allele origin: germline.

GeneDx
Classification: Likely benign. Last evaluated: 2020-11-30. Review status: criteria provided, single submitter. Criteria: GeneDx Variant Classification Process June 2021. Collection method: clinical testing. Allele origin: germline. Affected: yes.
Comment: Has not been previously published as pathogenic or benign to our knowledge

Baylor Genetics
Classification: Uncertain significance for Combined oxidative phosphorylation defect type 13. Last evaluated: 2018-01-01. Review status: criteria provided, single submitter. Criteria: ACMG Guidelines, 2015. Collection method: clinical testing. Allele origin: paternal. Affected: yes.
Comment: This variant was determined to be of uncertain significance according to ACMG Guidelines, 2015 [PMID:25741868].

Dr. Peter K. Rogan Lab, Western University
No classification provided (evidence only). Condition: Familial cancer of breast. Review status: no classification provided. Collection method: in vitro. Allele origin: not applicable. Functional consequence: retained intron. Not counted in ClinVar's aggregate classification.